The following is an entry in ClinVar:

NM_016203.4(PRKAG2):c.472G>A (p.Gly158Ser)

Gene: PRKAG2 (protein kinase AMP-activated non-catalytic subunit gamma 2; minus strand). Cytogenetic location: 7q36.1.
Variant type: single nucleotide variant.
Coding change: c.472G>A on transcript NM_016203.4 (MANE Select); coding-DNA position 472, G replaced by A.
Protein change: p.Gly158Ser; replaces glycine 158 with serine.
Molecular consequence: missense variant.
Genome position (GRCh38, 1-based): chr7:151,675,632, C>T on the plus strand (G>A on the coding strand, the complement: PRKAG2 is on the minus strand). VCF-style: chr7-151675632-C-T. GRCh37 (hg19) VCF-style: chr7-151372718-C-T.
Other names: p.G158S:GGC>AGC; c.340G>A, p.Gly114Ser (NM_001040633.2); c.100G>A, p.Gly34Ser (NM_001304527.2, NM_001363698.2); short protein forms G158S, G34S, G114S.
Identifiers: ClinVar variation 178883 (VCV000178883.31), dbSNP rs727504512, ClinGen allele CA014259.

ClinVar aggregate classification (germline): Likely benign. Review status: criteria provided, multiple submitters, no conflicts (2 of 4 stars). 8 submissions from 8 submitters: Likely benign (8). Last evaluated 2026-06-01.

Conditions:
Cardiovascular phenotype. Identifiers: MedGen CN230736.
Cardiomyopathy (CMYO). Also called: Cardiomyopathies. Identifiers: Orphanet 167848, MedGen C0878544, MONDO:0004994, HP:0001638. Inheritance: Various modes of inheritance.
Lethal congenital glycogen storage disease of heart. Also called: PHOSPHORYLASE KINASE DEFICIENCY OF HEART; GLYCOGEN STORAGE DISEASE OF HEART. Identifiers: Orphanet 439854, MedGen C1849813, MONDO:0009867, OMIM 261740.

Allele frequency attached by ClinVar (database versions not stated): TOPMed 0.00031; ExAC 0.00042; gnomAD exomes 0.00054.
gnomAD v4.1: 216 of 1,613,006 alleles (0.013%); highest among the groups gnomAD compares: Admixed American, 0.26%; 2 homozygotes.

Submissions (8):

CeGaT Center for Human Genetics Tuebingen
Classification: Likely benign. Last evaluated: 2026-06-01. Review status: criteria provided, single submitter. Criteria: CeGaT Center For Human Genetics Tuebingen Variant Classification Criteria Version 2. Collection method: clinical testing. Allele origin: germline. Affected: yes. Observed: 3 variant alleles.
Comment: PRKAG2: BP4, BS1

Labcorp Genetics (formerly Invitae), Labcorp
Classification: Likely benign for Lethal congenital glycogen storage disease of heart. Last evaluated: 2026-01-28. Review status: criteria provided, single submitter. Criteria: Invitae Variant Classification Sherloc (09022015). Collection method: clinical testing. Allele origin: germline.

Mayo Clinic Laboratories, Mayo Clinic
Classification: Likely benign. Last evaluated: 2025-06-05. Review status: criteria provided, single submitter. Criteria: ACMG Guidelines, 2015. Collection method: clinical testing. Allele origin: germline. Observed: 2 variant alleles.
Comment: BS1, BP4

GeneDx
Classification: Likely benign. Last evaluated: 2021-02-24. Review status: criteria provided, single submitter. Criteria: GeneDx Variant Classification Process June 2021. Collection method: clinical testing. Allele origin: germline. Affected: yes.

Ambry Genetics
Classification: Likely benign for Cardiovascular phenotype. Last evaluated: 2019-04-26. Review status: criteria provided, single submitter. Criteria: Ambry Variant Classification Scheme 2023. Collection method: clinical testing. Allele origin: germline.

Color Diagnostics, LLC DBA Color Health
Classification: Likely benign for Cardiomyopathy. Last evaluated: 2018-12-05. Review status: criteria provided, single submitter. Criteria: ACMG Guidelines, 2015. Collection method: clinical testing. Allele origin: germline.

Women's Health and Genetics/Laboratory Corporation of America, LabCorp
Classification: Likely benign. Last evaluated: 2017-12-11. Review status: criteria provided, single submitter. Criteria: LabCorp Variant Classification Summary - May 2015. Collection method: clinical testing. Allele origin: germline.
Comment: Variant summary: The PRKAG2 c.472G>A (p.Gly158Ser) variant involves the alteration of a conserved nucleotide. 2/4 in silico tools predict a benign outcome for this variant (SNPsandGO not captured due to low reliability index). This variant was found in 141/277028 control chromosomes in gnomAD (1 homozygote) at a frequency of 0.000509, which is approximately 20 times the estimated maximal expected allele frequency of a pathogenic PRKAG2 variant (0.000025), suggesting this variant is likely a benign polymorphism. The variant of interest has not, to our knowledge, been reported in affected individuals via publications; nor evaluated for functional impact by in vivo/vitro studies. In addition, multiple clincial labs classified this variant as likely benign and one other lab classified it as VUS, all without evidence for independent evaluation. Taken together, this variant is classified as likely benign.

Laboratory for Molecular Medicine, Mass General Brigham Personalized Medicine
Classification: Likely benign. Last evaluated: 2013-04-17. Review status: criteria provided, single submitter. Criteria: LMM Criteria. Collection method: clinical testing. Allele origin: germline. Observed: 1 variant allele.
Comment: Gly158Ser in exon 4 of PRKAG2: This variant is not expected to have clinical sig nificance due to a lack of evolutionary conservation. Of note, multiple mammals (including mouse, rat, squirrel, and rabbit) have a serine (Ser) at this positio n despite high nearby amino acid conservation. In addition, computational analys es (AlignGVGD, PolyPhen2, SIFT) do not suggest a high likelihood of impact to th e protein and the variant is located outside the CBS domain region where all pat hogenic PRKAG2 variants have been identified to date (Oliveira 2003).